The following is an entry in ClinVar:

ClinVar aggregate classification (germline): Uncertain significance (1 of 4 stars; one submission).

Conditions:
Hereditary cancer-predisposing syndrome. Also called: Neoplastic Syndromes, Hereditary; Hereditary neoplastic syndrome; Tumor predisposition; Hereditary Cancer Syndrome. Identifiers: Orphanet 140162, MedGen C0027672, MeSH D009386, MONDO:0015356.

Submission:

Color Diagnostics, LLC DBA Color Health
Classification: Uncertain significance for Hereditary cancer-predisposing syndrome. Last evaluated: 2025-07-30. Review status: criteria provided, single submitter. Criteria: ACMG Guidelines, 2015. Collection method: clinical testing. Allele origin: germline.
Comment: This missense variant replaces proline with arginine at codon 3209 of the BRCA2 protein. Computational prediction suggests that this variant may not impact protein structure and function. A functional study has reported that this variant impacts BRCA2 in sensitivity assays to cisplatin and PARP inhibitor (PMID: 39779848). To our knowledge, this variant has not been reported in individuals affected with BRCA2-related disorders in the literature. This variant has not been identified in the general population by the Genome Aggregation Database (gnomAD). The available evidence is insufficient to determine the role of this variant in disease conclusively. Therefore, this variant is classified as a Variant of Uncertain Significance.

Literature cited by the submitters: PubMed 39779848.

NM_000059.4(BRCA2):c.9626C>G (p.Pro3209Arg)

Gene: BRCA2 (BRCA2 DNA repair associated; plus strand). Cytogenetic location: 13q13.1.
Variant type: single nucleotide variant.
Coding change: c.9626C>G on transcript NM_000059.4 (MANE Select); coding-DNA position 9626, C replaced by G.
Protein change: p.Pro3209Arg; replaces proline 3209 with arginine.
Molecular consequence: missense variant. On other transcripts: non-coding transcript variant (1).
Genome position (GRCh38, 1-based): chr13:32,397,022, C>G. VCF-style: chr13-32397022-C-G. GRCh37 (hg19) VCF-style: chr13-32971159-C-G.
Other names: c.9530C>G, p.Pro3177Arg (NM_001406719.1); c.9575C>G, p.Pro3192Arg (NM_001406720.1); c.4694C>G, p.Pro1565Arg (NM_001406721.1); c.3209C>G, p.Pro1070Arg (NM_001406722.1); c.9626C>G, p.Pro3209Arg (NM_001432077.1); short protein forms P1070R, P1565R, P3177R, P3192R, P3209R.
Identifiers: ClinVar variation 4759099 (VCV004759099.1).